The following is an entry in ClinVar:

ClinVar aggregate classification (germline): Uncertain significance (1 of 4 stars; one submission).

Submission:

Ambry Genetics
Classification: Uncertain significance. Last evaluated: 2025-10-14. Review status: criteria provided, single submitter. Criteria: Ambry Variant Classification Scheme 2023. Collection method: clinical testing. Allele origin: germline.
Comment: The p.A1454V variant (also known as c.4361C>T), located in coding exon 19 of the WNK2 gene, results from a C to T substitution at nucleotide position 4361. The alanine at codon 1454 is replaced by valine, an amino acid with similar properties. This amino acid position is conserved. In addition, this alteration is predicted to be tolerated by in silico analysis. Based on the available evidence, the clinical significance of this variant remains unclear.

NM_006648.4(WNK2):c.4361C>T (p.Ala1454Val)

Gene: WNK2 (WNK lysine deficient protein kinase 2; plus strand). Cytogenetic location: 9q22.31.
Variant type: single nucleotide variant.
Coding change: c.4361C>T on transcript NM_006648.4 (MANE Select); coding-DNA position 4361, C replaced by T.
Protein change: p.Ala1454Val; replaces alanine 1454 with valine.
Molecular consequence: missense variant.
Genome position (GRCh38, 1-based): chr9:93,289,115, C>T. VCF-style: chr9-93289115-C-T. GRCh37 (hg19) VCF-style: chr9-96051397-C-T.
Other names: c.4472C>T, p.Ala1491Val (NM_001282394.3); short protein forms A1454V, A1491V.
Identifiers: ClinVar variation 4605250 (VCV004605250.1).
Genomic context (GRCh38, chr9:93,289,115, plus strand): 5'-AGCCACTAGCGGAGACTCACGAGGCCCCGCTTGCTGTGCAGCCCCTCGTGGTGGGCCTAG[C>T]ACCTTGCACTCCAGCTCCAGAGGCTGCCTCAACCAGGGACGCCAGTGCCCCAAGGGAGCC-3'
Protein context (NP_006639.3, residues 1444-1464): LAVQPLVVGL[Ala1454Val]PCTPAPEAAS